The following is an entry in ClinVar:

ClinVar aggregate classification (germline): Conflicting classifications of pathogenicity. Review status: criteria provided, conflicting classifications (1 of 4 stars). 11 submissions from 11 submitters: Uncertain significance (2); Benign (1); Likely benign (6). 2 of the submissions do not count toward it. Last evaluated 2026-09-01.

Conditions:
Cardiovascular phenotype. Identifiers: MedGen CN230736.
Hereditary hemorrhagic telangiectasia (HHT). Also called: ORW DISEASE; Osler Weber Rendu syndrome; OSLER-RENDU-WEBER DISEASE; Osler hemorrhagic telangiectasia syndrome. Identifiers: Orphanet 774, MedGen C0039445, MONDO:0019180. Disease mechanism: loss of function.
ENG-related disorder. Also called: ENG-related condition; ENG-related disorders.
Telangiectasia, hereditary hemorrhagic, type 1 (HHT1). Also called: Osler Weber Rendu syndrome type 1; ENG-Related Hereditary Hemorrhagic Telangiectasia. Identifiers: Orphanet 774, MedGen C4551861, MONDO:0008535, OMIM 187300. Disease mechanism: loss of function.

Allele frequency attached by ClinVar (database versions not stated): gnomAD 0.00022 and 0.00024; TOPMed 0.00026; gnomAD exomes 0.00029 and 0.00057; ESP Exome Variant Server 0.00031; ExAC 0.00055.

Submissions (11):

CeGaT Center for Human Genetics Tuebingen
Classification: Likely benign. Last evaluated: 2026-09-01. Review status: criteria provided, single submitter. Criteria: CeGaT Center For Human Genetics Tuebingen Variant Classification Criteria Version 2. Collection method: clinical testing. Allele origin: germline. Affected: yes. Observed: 2 variant alleles.
Comment: ENG: BP4

Labcorp Genetics (formerly Invitae), Labcorp
Classification: Likely benign for Hereditary hemorrhagic telangiectasia. Last evaluated: 2025-12-09. Review status: criteria provided, single submitter. Criteria: Invitae Variant Classification Sherloc (09022015). Collection method: clinical testing. Allele origin: germline.

Impact Genetics, Dynacare/LabCorp
Classification: Likely benign for Telangiectasia, hereditary hemorrhagic, type 1. Last evaluated: 2023-04-06. Review status: criteria provided, single submitter. Criteria: DeMille et al. (Hum Mutat. 2024). Collection method: clinical testing. Allele origin: germline.
Comment: BP2, BS3_supporting

Johns Hopkins Genomics, Johns Hopkins University
Classification: Likely benign for Telangiectasia, hereditary hemorrhagic, type 1. Last evaluated: 2022-04-04. Review status: criteria provided, single submitter. Criteria: ACMG Guidelines, 2015. Collection method: clinical testing. Allele origin: germline.

Ambry Genetics
Classification: Benign for Cardiovascular phenotype. Last evaluated: 2022-01-11. Review status: criteria provided, single submitter. Criteria: Ambry Variant Classification Scheme 2023. Collection method: clinical testing. Allele origin: germline.

GeneDx
Classification: Uncertain significance. Last evaluated: 2020-08-28. Review status: criteria provided, single submitter. Criteria: GeneDx Variant Classification Process June 2021. Collection method: clinical testing. Allele origin: germline. Affected: yes.
Comment: In silico analysis supports that this missense variant has a deleterious effect on protein structure/function; This variant is associated with the following publications: (PMID: 15312062, 25312062)

Genetic Services Laboratory, University of Chicago
Classification: Uncertain significance. Last evaluated: 2019-03-08. Review status: criteria provided, single submitter. Criteria: ACMG Guidelines, 2015. Collection method: clinical testing. Allele origin: germline. Affected: no.

Illumina Laboratory Services, Illumina
Classification: Likely benign for Telangiectasia, hereditary hemorrhagic, type 1. Last evaluated: 2018-01-12. Review status: criteria provided, single submitter. Criteria: ICSL Variant Classification Criteria 13 December 2019. Collection method: clinical testing. Allele origin: germline.
Comment: This variant was observed in the ICSL laboratory as part of a predisposition screen in an ostensibly healthy population. It had not been previously curated by ICSL or reported in the Human Gene Mutation Database (HGMD: prior to June 1st, 2018), and was therefore a candidate for classification through an automated scoring system. Utilizing variant allele frequency, disease prevalence and penetrance estimates, and inheritance mode, an automated score was calculated to assess if this variant is too frequent to cause the disease. Based on the score and internal cut-off values, a variant classified as likely benign is not then subjected to further curation. The score for this variant resulted in a classification of likely benign for this disease.

NIHR Bioresource Rare Diseases, University of Cambridge
Classification: Likely benign for Telangiectasia, hereditary hemorrhagic, type 1. Last evaluated: 2018-01-01. Review status: criteria provided, single submitter. Criteria: ACMG Guidelines, 2015. Collection method: research. Allele origin: unknown. Affected: yes. Observed: 1 variant allele.
Comment: BS1 +BP2

PreventionGenetics, part of Exact Sciences
Classification: Likely benign for ENG-related condition. Last evaluated: 2022-05-11. Review status: no assertion criteria provided. Collection method: clinical testing. Allele origin: germline. Not counted in ClinVar's aggregate classification.
Comment: This variant is classified as likely benign based on ACMG/AMP sequence variant interpretation guidelines (Richards et al. 2015 PMID: 25741868, with internal and published modifications).

Knight Diagnostic Laboratories, Oregon Health and Sciences University
Classification: Uncertain significance for Telangiectasia, hereditary hemorrhagic, type 1. Last evaluated: 2016-01-27. Review status: no assertion criteria provided. Criteria: ACMG Guidelines, 2015. Collection method: clinical testing. Allele origin: germline. Affected: no. Study: CSER-NextGen. Not counted in ClinVar's aggregate classification.

Literature cited by the submitters: PubMed 25312062 (cited by 3 submitters); PubMed 32573726 (cited by 4 submitters).

NM_001114753.3(ENG):c.7C>T (p.Arg3Cys)

Gene: ENG (endoglin; minus strand). Cytogenetic location: 9q34.11.
Variant type: single nucleotide variant.
Coding change: c.7C>T on transcript NM_001114753.3 (MANE Select); coding-DNA position 7, C replaced by T.
Protein change: p.Arg3Cys; replaces arginine 3 with cysteine.
Molecular consequence: missense variant.
Genome position (GRCh38, 1-based): chr9:127,854,349, G>A on the plus strand (C>T on the coding strand, the complement: ENG is on the minus strand). VCF-style: chr9-127854349-G-A. GRCh37 (hg19) VCF-style: chr9-130616628-G-A.
Other names: c.7C>T, p.Arg3Cys (NM_000118.4, NM_001406715.1); c.7C>T (NM_000118.2); short protein forms R3C.
Identifiers: ClinVar variation 374952 (VCV000374952.65), dbSNP rs139334561, ClinGen allele CA5253268.